The following is an entry in ClinVar:

NM_001365999.1(SZT2):c.7976T>G (p.Leu2659Arg)

Gene: SZT2 (SZT2 subunit of KICSTOR complex; plus strand). Cytogenetic location: 1p34.2.
Variant type: single nucleotide variant.
Coding change: c.7976T>G on transcript NM_001365999.1 (MANE Select); coding-DNA position 7976, T replaced by G.
Protein change: p.Leu2659Arg; replaces leucine 2659 with arginine.
Molecular consequence: missense variant.
Genome position (GRCh38, 1-based): chr1:43,442,443, T>G. VCF-style: chr1-43442443-T-G. GRCh37 (hg19) VCF-style: chr1-43908114-T-G.
Other names: c.7805T>G, p.Leu2602Arg (NM_015284.4); short protein forms L2602R, L2659R.
Identifiers: ClinVar variation 964316 (VCV000964316.9), dbSNP rs1655168673, ClinGen allele CA340037260.

ClinVar aggregate classification (germline): Uncertain significance (1 of 4 stars; one submission).

Submission:

Labcorp Genetics (formerly Invitae), Labcorp
Classification: Uncertain significance. Last evaluated: 2020-04-01. Review status: criteria provided, single submitter. Criteria: Invitae Variant Classification Sherloc (09022015). Collection method: clinical testing. Allele origin: germline.
Comment: Algorithms developed to predict the effect of missense changes on protein structure and function (SIFT, PolyPhen-2, Align-GVGD) all suggest that this variant is likely to be disruptive, but these predictions have not been confirmed by published functional studies and their clinical significance is uncertain. In summary, the available evidence is currently insufficient to determine the role of this variant in disease. Therefore, it has been classified as a Variant of Uncertain Significance. This variant has not been reported in the literature in individuals with SZT2-related conditions. This sequence change replaces leucine with arginine at codon 2602 of the SZT2 protein (p.Leu2602Arg). The leucine residue is highly conserved and there is a moderate physicochemical difference between leucine and arginine. This variant is not present in population databases (ExAC no frequency).